The following is an entry in ClinVar:

ClinVar aggregate classification (germline): Likely benign. Review status: criteria provided, multiple submitters, no conflicts (2 of 4 stars). 2 submissions from 2 submitters: Likely benign (2). Last evaluated 2016-06-28.

Submissions (2):

GeneDx
Classification: Likely benign. Last evaluated: 2016-06-28. Review status: criteria provided, single submitter. Criteria: GeneDx Variant Classification (06012015). Collection method: clinical testing. Allele origin: germline. Affected: yes.
Comment: This variant is considered likely benign or benign based on one or more of the following criteria: it is a conservative change, it occurs at a poorly conserved position in the protein, it is predicted to be benign by multiple in silico algorithms, and/or has population frequency not consistent with disease.

Laboratory for Molecular Medicine, Mass General Brigham Personalized Medicine
Classification: Likely benign. Last evaluated: 2010-12-14. Review status: criteria provided, single submitter. Criteria: LMM Criteria. Collection method: clinical testing. Allele origin: germline. Observed: 1 variant allele.

NM_001005242.3(PKP2):c.1624C>T (p.Leu542=)

Gene: PKP2 (plakophilin 2; minus strand). Cytogenetic location: 12p11.21.
Variant type: single nucleotide variant.
Coding change: c.1624C>T on transcript NM_001005242.3 (MANE Select); coding-DNA position 1624, C replaced by T.
Protein change: p.Leu542=; no amino-acid change (leucine 542 retained).
Molecular consequence: synonymous variant.
Genome position (GRCh38, 1-based): chr12:32,824,095, G>A on the plus strand (C>T on the coding strand, the complement: PKP2 is on the minus strand). VCF-style: chr12-32824095-G-A. GRCh37 (hg19) VCF-style: chr12-32977029-G-A.
Other names: c.1756C>T, p.Leu586= (NM_004572.4).
Identifiers: ClinVar variation 45044 (VCV000045044.5), dbSNP rs397517007, ClinGen allele CA011374.
Genomic context (GRCh38, chr12:32,824,095, plus strand): 5'-CTTGAATTACCTTGTCATCTGGCTGGTAATCTGCAATGGTTCCTCTGACATAATGGACCA[G>A]TGAGTCAATGAGTCCGTCACATCTTCTCATCGCTTTTCTCCCATCAGCGCCAGCAGAACT-3'
Protein context (NP_001005242.2, residues 532-552): MRRCDGLIDS[Leu542=]VHYVRGTIAD